The following is an entry in ClinVar:

ClinVar aggregate classification (germline): Uncertain significance (1 of 4 stars; one submission).

Conditions:
Glycogen storage disease type III (GSD3). Also called: Cori disease; FORBES DISEASE. Identifiers: Orphanet 366, MedGen C0017922, MONDO:0009291, OMIM 232400.

Submission:

Labcorp Genetics (formerly Invitae), Labcorp
Classification: Uncertain significance for Glycogen storage disease type III. Last evaluated: 2022-05-27. Review status: criteria provided, single submitter. Criteria: Invitae Variant Classification Sherloc (09022015). Collection method: clinical testing. Allele origin: germline.
Comment: In summary, the available evidence is currently insufficient to determine the role of this variant in disease. Therefore, it has been classified as a Variant of Uncertain Significance. Algorithms developed to predict the effect of missense changes on protein structure and function (SIFT, PolyPhen-2, Align-GVGD) all suggest that this variant is likely to be tolerated. This variant has not been reported in the literature in individuals affected with AGL-related conditions. This variant is not present in population databases (gnomAD no frequency). This sequence change replaces glutamine, which is neutral and polar, with histidine, which is basic and polar, at codon 869 of the AGL protein (p.Gln869His).

NM_000642.3(AGL):c.2607A>T (p.Gln869His)

Gene: AGL (amylo-alpha-1,6-glucosidase and 4-alpha-glucanotransferase; plus strand). Cytogenetic location: 1p21.2.
Variant type: single nucleotide variant.
Coding change: c.2607A>T on transcript NM_000642.3 (MANE Select); coding-DNA position 2607, A replaced by T.
Protein change: p.Gln869His; replaces glutamine 869 with histidine.
Molecular consequence: missense variant.
Genome position (GRCh38, 1-based): chr1:99,884,629, A>T. VCF-style: chr1-99884629-A-T. GRCh37 (hg19) VCF-style: chr1-100350185-A-T.
Other names: c.2607A>T, p.Gln869His (NM_000028.3, NM_000643.3, NM_000644.3 and 2 more transcripts); c.2559A>T, p.Gln853His (NM_000646.3); c.2406A>T, p.Gln802His (NM_001425327.1); c.2403A>T, p.Gln801His (NM_001425328.1); c.2229A>T, p.Gln743His (NM_001425332.1); short protein forms Q853H, Q869H, Q743H, Q801H, Q802H.
Identifiers: ClinVar variation 2097354 (VCV002097354.4), dbSNP rs747817359, ClinGen allele CA341321715.